The following is an entry in ClinVar:

NM_004304.5(ALK):c.398_399delinsAA (p.Arg133Gln)

Gene: ALK (ALK receptor tyrosine kinase; minus strand). Cytogenetic location: 2p23.1.
Variant type: Indel.
Coding change: c.398_399delinsAA on transcript NM_004304.5 (MANE Select); coding-DNA positions 398 to 399, GC replaced by AA.
Protein change: p.Arg133Gln; replaces arginine 133 with glutamine.
Molecular consequence: missense variant.
Genome position (GRCh38, 1-based): chr2:29,920,261-29,920,262, GC replaced by TT on the plus strand (GC replaced by AA on the coding strand, the reverse complement: ALK is on the minus strand). VCF-style: chr2-29920261-GC-TT. GRCh37 (hg19) VCF-style: chr2-30143127-GC-TT.
Other names: short protein forms R133Q.
Identifiers: ClinVar variation 2016384 (VCV002016384.4), dbSNP rs2465866215, ClinGen allele CA2580066358.

ClinVar aggregate classification (germline): Uncertain significance (1 of 4 stars; one submission).

Conditions:
Neuroblastoma, susceptibility to, 3. Also called: ALK-Related Neuroblastic Tumor Susceptibility. Identifiers: Orphanet 635, MedGen C2751681, MONDO:0013083, OMIM 613014.

Submission:

Labcorp Genetics (formerly Invitae), Labcorp
Classification: Uncertain significance for Neuroblastoma, susceptibility to, 3. Last evaluated: 2024-05-21. Review status: criteria provided, single submitter. Criteria: Invitae Variant Classification Sherloc (09022015). Collection method: clinical testing. Allele origin: germline.
Comment: This sequence change replaces arginine, which is basic and polar, with glutamine, which is neutral and polar, at codon 133 of the ALK protein (p.Arg133Gln). Information on the frequency of this variant in the gnomAD database is not available, as this variant may be reported differently in the database. This variant has not been reported in the literature in individuals affected with ALK-related conditions. ClinVar contains an entry for this variant (Variation ID: 2016384). An algorithm developed to predict the effect of missense changes on protein structure and function (PolyPhen-2) suggests that this variant is likely to be disruptive. In summary, the available evidence is currently insufficient to determine the role of this variant in disease. Therefore, it has been classified as a Variant of Uncertain Significance.